The following is an entry in ClinVar:

NC_000008.10:g.(?_126049459)_(126075913_?)del

Gene: WASHC5 (WASH complex subunit 5; minus strand). Cytogenetic location: 8q24.13.
Variant type: Deletion.
Identifiers: ClinVar variation 2425992 (VCV002425992.4).

ClinVar aggregate classification (germline): Uncertain significance (1 of 4 stars; one submission).

Conditions:
Ritscher-Schinzel syndrome. Also called: CRANIOCEREBELLOCARDIAC DYSPLASIA. Identifiers: Orphanet 7, MedGen C0796137, MONDO:0019078.
Hereditary spastic paraplegia 8 (SPG8). Also called: SPASTIC PARAPLEGIA 8, AUTOSOMAL DOMINANT. Identifiers: Orphanet 100989, MedGen C1863704, MONDO:0011339, OMIM 603563.

Submission:

Labcorp Genetics (formerly Invitae), Labcorp
Classification: Uncertain significance for Ritscher-Schinzel syndrome; Hereditary spastic paraplegia 8. Last evaluated: 2022-03-13. Review status: criteria provided, single submitter. Criteria: Invitae Variant Classification Sherloc (09022015). Collection method: clinical testing. Allele origin: germline.
Comment: This variant is a gross deletion of the genomic region encompassing exon(s) 11-26 of the WASHC5 gene. This deletion is out-of-frame, and is expected to create a premature translational stop signal and result in an absent or disrupted protein product. However, the current clinical and genetic evidence is not sufficient to establish whether loss-of-function variants in WASHC5 cause disease. This variant has not been reported in the literature in individuals affected with WASHC5-related conditions. In summary, the available evidence is currently insufficient to determine the role of this variant in disease. Therefore, it has been classified as a Variant of Uncertain Significance.